The following is an entry in ClinVar:

NM_017534.6(MYH2):c.3431A>G (p.Asp1144Gly)

Genes: MYH2 (myosin heavy chain 2; minus strand), MYHAS (myosin heavy chain gene cluster antisense RNA; plus strand). Cytogenetic location: 17p13.1.
Variant type: single nucleotide variant.
Coding change: c.3431A>G on transcript NM_017534.6 (MANE Select); coding-DNA position 3431, A replaced by G.
Protein change: p.Asp1144Gly; replaces aspartic acid 1144 with glycine.
Molecular consequence: missense variant.
Genome position (GRCh38, 1-based): chr17:10,529,003, T>C on the plus strand (A>G on the coding strand, the complement: MYH2 is on the minus strand). VCF-style: chr17-10529003-T-C. GRCh37 (hg19) VCF-style: chr17-10432320-T-C.
Other names: c.3431A>G, p.Asp1144Gly (NM_001100112.2); short protein forms D1144G.
Identifiers: ClinVar variation 4692276 (VCV004692276.1).

ClinVar aggregate classification (germline): Uncertain significance (1 of 4 stars; one submission).

Conditions:
Myopathy, proximal, and ophthalmoplegia (CMYO6). Also called: INCLUSION BODY MYOPATHY 3, AUTOSOMAL DOMINANT; MYOPATHY WITH CONGENITAL JOINT CONTRACTURES, OPHTHALMOPLEGIA, AND RIMMED VACUOLES; CONGENITAL MYOPATHY 6 WITH OPHTHALMOPLEGIA. Identifiers: Orphanet 363677, Orphanet 79091, MedGen C1854106, MONDO:0011577, OMIM 605637.

gnomAD v4.1: 7 of 1,614,018 alleles (0.00043%); highest among the groups gnomAD compares: Admixed American, 0.012%; no homozygotes.

Submission:

Labcorp Genetics (formerly Invitae), Labcorp
Classification: Uncertain significance for Myopathy, proximal, and ophthalmoplegia. Last evaluated: 2025-04-01. Review status: criteria provided, single submitter. Criteria: Invitae Variant Classification Sherloc (09022015). Collection method: clinical testing. Allele origin: germline.
Comment: This sequence change replaces aspartic acid, which is acidic and polar, with glycine, which is neutral and non-polar, at codon 1144 of the MYH2 protein (p.Asp1144Gly). This variant is present in population databases (rs752116558, gnomAD 0.01%). This variant has not been reported in the literature in individuals affected with MYH2-related conditions. Invitae Evidence Modeling of protein sequence and biophysical properties (such as structural, functional, and spatial information, amino acid conservation, physicochemical variation, residue mobility, and thermodynamic stability) indicates that this missense variant is expected to disrupt MYH2 protein function with a positive predictive value of 80%. In summary, the available evidence is currently insufficient to determine the role of this variant in disease. Therefore, it has been classified as a Variant of Uncertain Significance.